The following is an entry in ClinVar:

NM_020381.4(PDSS2):c.11G>C (p.Arg4Pro)

Gene: PDSS2 (decaprenyl diphosphate synthase subunit 2; minus strand). Cytogenetic location: 6q21.
Variant type: single nucleotide variant.
Coding change: c.11G>C on transcript NM_020381.4 (MANE Select); coding-DNA position 11, G replaced by C.
Protein change: p.Arg4Pro; replaces arginine 4 with proline.
Molecular consequence: missense variant.
Genome position (GRCh38, 1-based): chr6:107,459,275, C>G on the plus strand (G>C on the coding strand, the complement: PDSS2 is on the minus strand). VCF-style: chr6-107459275-C-G. GRCh37 (hg19) VCF-style: chr6-107780479-C-G.
Other names: p.R4P:CGG>CCG; short protein forms R4P.
Identifiers: ClinVar variation 138690 (VCV000138690.19), dbSNP rs3734676, ClinGen allele CA292778.

ClinVar aggregate classification (germline): Benign. Review status: criteria provided, multiple submitters, no conflicts (2 of 4 stars). 8 submissions from 8 submitters: Benign (5). 3 of the submissions do not count toward it. Last evaluated 2026-02-01.

Conditions:
Kidney disorder. Also called: Nephropathy; renal disease; Kidney disease; Kidney Diseases; renal disorder. Identifiers: MedGen C0022658, MONDO:0005240, HP:0000112.

Allele frequency attached by ClinVar (database versions not stated): ESP Exome Variant Server 0.00238; gnomAD exomes 0.00553 and 0.01554; gnomAD 0.00757 and 0.00883; TOPMed 0.01265; ExAC 0.01454; 1000 Genomes Project 30x 0.02077; 1000 Genomes Project 0.02416.
gnomAD v4.1: 9,765 of 1,613,900 alleles (0.61%); highest among the groups gnomAD compares: East Asian, 10%; 329 homozygotes.

Submissions (8):

Labcorp Genetics (formerly Invitae), Labcorp
Classification: Benign. Last evaluated: 2026-02-01. Review status: criteria provided, single submitter. Criteria: Invitae Variant Classification Sherloc (09022015). Collection method: clinical testing. Allele origin: germline.

Blueprint Genetics
Classification: Benign. Last evaluated: 2024-11-27. Review status: criteria provided, single submitter. Criteria: ACMG Guidelines, 2015. Collection method: clinical testing. Allele origin: germline.

Genome Diagnostics Laboratory, The Hospital for Sick Children
Classification: Benign for Kidney disorder. Last evaluated: 2021-06-24. Review status: criteria provided, single submitter. Criteria: ACMG Guidelines, 2015. Collection method: clinical testing. Allele origin: germline.

GeneDx
Classification: Benign. Last evaluated: 2013-12-31. Review status: criteria provided, single submitter. Criteria: GeneDx Variant Classification (06012015). Collection method: clinical testing. Allele origin: germline. Affected: yes.
Comment: This variant is considered likely benign or benign based on one or more of the following criteria: it is a conservative change, it occurs at a poorly conserved position in the protein, it is predicted to be benign by multiple in silico algorithms, and/or has population frequency not consistent with disease.

PreventionGenetics, part of Exact Sciences
Classification: Benign. Review status: criteria provided, single submitter. Criteria: ACMG Guidelines, 2015. Collection method: clinical testing. Allele origin: germline.

Mayo Clinic Laboratories, Mayo Clinic
Classification: Benign. Last evaluated: 2017-06-14. Review status: no assertion criteria provided. Collection method: clinical testing. Allele origin: unknown. Not counted in ClinVar's aggregate classification.

Clinical Genetics, Academic Medical Center
Classification: Benign. Review status: no assertion criteria provided. Collection method: clinical testing. Allele origin: germline. Affected: yes. Study: VKGL Data-share Consensus. Not counted in ClinVar's aggregate classification.

Laboratory of Diagnostic Genome Analysis, Leiden University Medical Center (LUMC)
Classification: Likely benign. Review status: no assertion criteria provided. Collection method: clinical testing. Allele origin: germline. Affected: yes. Study: VKGL Data-share Consensus. Not counted in ClinVar's aggregate classification.